The following is an entry in ClinVar:

NM_201253.3(CRB1):c.3373T>C (p.Phe1125Leu)

Gene: CRB1 (crumbs cell polarity complex component 1; plus strand). Cytogenetic location: 1q31.3.
Variant type: single nucleotide variant.
Coding change: c.3373T>C on transcript NM_201253.3 (MANE Select); coding-DNA position 3373, T replaced by C.
Protein change: p.Phe1125Leu; replaces phenylalanine 1125 with leucine.
Molecular consequence: missense variant. On other transcripts: non-coding transcript variant (2), intron variant (1).
Genome position (GRCh38, 1-based): chr1:197,435,236, T>C. VCF-style: chr1-197435236-T-C. GRCh37 (hg19) VCF-style: chr1-197404366-T-C.
Other names: c.3037T>C, p.Phe1013Leu (NM_001193640.2); c.3301T>C, p.Phe1101Leu (NM_001257965.2); c.2129-364T>C (NM_001257966.2); short protein forms F1013L, F1101L, F1125L.
Identifiers: ClinVar variation 2159687 (VCV002159687.4), dbSNP rs2528201580, ClinGen allele CA344047420.
Genomic context (GRCh38, chr1:197,435,236, plus strand): 5'-ATTTATCTCTCTTACTTTGAAAATGTTCATGGTTTCATTAATAAACCTCAGGAAGAGCAA[T>C]TTCTCAAAATCTCTACCAATTCAGTGGTCACTGGCTGTTTGCAGTTAAATGTCTGCAACT-3'
Protein context (NP_957705.1, residues 1115-1135): GFINKPQEEQ[Phe1125Leu]LKISTNSVVT

ClinVar aggregate classification (germline): Conflicting classifications of pathogenicity. Review status: criteria provided, conflicting classifications (1 of 4 stars). 2 submissions from 2 submitters: Likely pathogenic (1); Uncertain significance (1). Last evaluated 2025-12-12.

Conditions:
Retinitis pigmentosa 12 (RP12). Also called: RP WITH OR WITHOUT PPRPE; RP WITH OR WITHOUT PRESERVED PARAARTERIOLE RETINAL PIGMENT EPITHELIUM; RETINITIS PIGMENTOSA WITH OR WITHOUT PARAARTERIOLAR PRESERVATION OF RETINAL PIGMENT EPITHELIUM. Identifiers: Orphanet 791, MedGen C1838647, MONDO:0010818, OMIM 600105.
Leber congenital amaurosis 8 (LCA8). Identifiers: Orphanet 65, MedGen C3151202, MONDO:0013453, OMIM 613835.

Submissions (2):

Research Institute for Ophthalmology and Vision Science, Shahid Beheshti University of Medical Sciences
Classification: Likely pathogenic for Retinitis pigmentosa 12. Last evaluated: 2025-12-12. Review status: criteria provided, single submitter. Criteria: ACMG Guidelines, 2015. Collection method: research. Allele origin: inherited. Inheritance: Autosomal recessive inheritance. Affected: yes.
Comment: The variant has an extremely low frequency in gnomAD databases. It has been identified in homozygous form in patients and cosegregates with the disease in affected family members. Computational prediction tools identified it as deleterious. CRB1 also has a low rate of benign missense mutations.

Labcorp Genetics (formerly Invitae), Labcorp
Classification: Uncertain significance for Leber congenital amaurosis 8; Retinitis pigmentosa 12. Last evaluated: 2022-10-26. Review status: criteria provided, single submitter. Criteria: Invitae Variant Classification Sherloc (09022015). Collection method: clinical testing. Allele origin: germline.
Comment: This sequence change replaces phenylalanine, which is neutral and non-polar, with leucine, which is neutral and non-polar, at codon 1125 of the CRB1 protein (p.Phe1125Leu). In summary, the available evidence is currently insufficient to determine the role of this variant in disease. Therefore, it has been classified as a Variant of Uncertain Significance. Advanced modeling of protein sequence and biophysical properties (such as structural, functional, and spatial information, amino acid conservation, physicochemical variation, residue mobility, and thermodynamic stability) performed at Invitae indicates that this missense variant is expected to disrupt CRB1 protein function. This variant has not been reported in the literature in individuals affected with CRB1-related conditions. This variant is not present in population databases (gnomAD no frequency).